The following is an entry in ClinVar:

ClinVar aggregate classification (germline): Uncertain significance. Review status: criteria provided, multiple submitters, no conflicts (2 of 4 stars). 2 submissions from 2 submitters: Uncertain significance (2). Last evaluated 2025-02-18.

Conditions:
Inborn genetic diseases. Identifiers: MedGen C0950123, MeSH D030342.

Submissions (2):

Ambry Genetics
Classification: Uncertain significance for Inborn genetic diseases. Last evaluated: 2025-02-18. Review status: criteria provided, single submitter. Criteria: Ambry Variant Classification Scheme 2023. Collection method: clinical testing. Allele origin: germline.

Labcorp Genetics (formerly Invitae), Labcorp
Classification: Uncertain significance. Last evaluated: 2024-04-15. Review status: criteria provided, single submitter. Criteria: Invitae Variant Classification Sherloc (09022015). Collection method: clinical testing. Allele origin: germline.
Comment: This sequence change replaces proline, which is neutral and non-polar, with leucine, which is neutral and non-polar, at codon 829 of the COL2A1 protein (p.Pro829Leu). This variant is not present in population databases (gnomAD no frequency). This variant has not been reported in the literature in individuals affected with COL2A1-related conditions. Advanced modeling of protein sequence and biophysical properties (such as structural, functional, and spatial information, amino acid conservation, physicochemical variation, residue mobility, and thermodynamic stability) performed at Invitae indicates that this missense variant is not expected to disrupt COL2A1 protein function with a negative predictive value of 95%. In summary, the available evidence is currently insufficient to determine the role of this variant in disease. Therefore, it has been classified as a Variant of Uncertain Significance.

NM_001844.5(COL2A1):c.2486C>T (p.Pro829Leu)

Gene: COL2A1 (collagen type II alpha 1 chain; minus strand). Cytogenetic location: 12q13.11.
Variant type: single nucleotide variant.
Coding change: c.2486C>T on transcript NM_001844.5 (MANE Select); coding-DNA position 2486, C replaced by T.
Protein change: p.Pro829Leu; replaces proline 829 with leucine.
Molecular consequence: missense variant.
Genome position (GRCh38, 1-based): chr12:47,980,946, G>A on the plus strand (C>T on the coding strand, the complement: COL2A1 is on the minus strand). VCF-style: chr12-47980946-G-A. GRCh37 (hg19) VCF-style: chr12-48374729-G-A.
Other names: c.2279C>T, p.Pro760Leu (NM_033150.3); c.2486C>T (NM_001844.4); short protein forms P829L, P760L.
Identifiers: ClinVar variation 3682023 (VCV003682023.3).